The following is an entry in ClinVar:

NM_000135.4(FANCA):c.4168G>A (p.Gly1390Ser)

Genes: FANCA (FA complementation group A; minus strand), ZNF276 (zinc finger protein 276; plus strand). Cytogenetic location: 16q24.3.
Variant type: single nucleotide variant.
Coding change: c.4168G>A on transcript NM_000135.4 (MANE Select); coding-DNA position 4168, G replaced by A.
Protein change: p.Gly1390Ser; replaces glycine 1390 with serine.
Molecular consequence: missense variant. On other transcripts: 3 prime UTR variant (2), non-coding transcript variant (4).
Genome position (GRCh38, 1-based): chr16:89,738,974, C>T on the plus strand (G>A on the coding strand, the complement: FANCA is on the minus strand). VCF-style: chr16-89738974-C-T. GRCh37 (hg19) VCF-style: chr16-89805382-C-T.
Other names: c.4172G>A, p.Gly1391Glu (NM_001286167.3); c.*728C>T (NM_001113525.2, NM_152287.4); short protein forms G1390S, G1391E.
Identifiers: ClinVar variation 3092783 (VCV003092783.2), dbSNP rs577194734, ClinGen allele CA8250702.

ClinVar aggregate classification (germline): Uncertain significance (1 of 4 stars; one submission).

Conditions:
Inborn genetic diseases. Identifiers: MedGen C0950123, MeSH D030342.

Allele frequency attached by ClinVar (database versions not stated): 1000 Genomes Project 30x 0.00016; 1000 Genomes Project 0.00020.
gnomAD v4.1: 2 of 1,614,230 alleles (0.00012%); highest among the groups gnomAD compares: East Asian, 0.0022%; no homozygotes.

Submission:

Ambry Genetics
Classification: Uncertain significance for Inborn genetic diseases. Last evaluated: 2026-06-13. Review status: criteria provided, single submitter. Criteria: Ambry Variant Classification Scheme 2023. Collection method: clinical testing. Allele origin: germline.
Comment: The p.G1390S variant (also known as c.4168G>A) is located in coding exon 42 of the FANCA gene. The glycine at codon 1390 is replaced by serine, an amino acid with similar properties. This change occurs in the first base pair of coding exon 42. This amino acid position is conserved. In addition, this alteration is predicted to be tolerated by in silico analysis. Based on the available evidence, the clinical significance of this variant remains unclear.